The following is an entry in ClinVar:

ClinVar aggregate classification (germline): Likely pathogenic (1 of 4 stars; one submission).

Submission:

Labcorp Genetics (formerly Invitae), Labcorp
Classification: Likely pathogenic. Last evaluated: 2025-10-26. Review status: criteria provided, single submitter. Criteria: Invitae Variant Classification Sherloc (09022015). Collection method: clinical testing. Allele origin: germline.
Comment: This sequence change affects an acceptor splice site in intron 3 of the POLE gene. It is expected to disrupt RNA splicing. Variants that disrupt the donor or acceptor splice site typically lead to a loss of protein function (PMID: 16199547), and loss-of-function variants in POLE are known to be pathogenic (PMID: 23230001, 25948378, 30503519). This variant is not present in population databases (gnomAD no frequency). This variant has not been reported in the literature in individuals affected with POLE-related conditions. ClinVar contains an entry for this variant (Variation ID: 2734438). Algorithms developed to predict the effect of sequence changes on RNA splicing suggest that this variant may disrupt the consensus splice site. In summary, the currently available evidence indicates that the variant is pathogenic, but additional data are needed to prove that conclusively. Therefore, this variant has been classified as Likely Pathogenic.

Literature cited by the submitters: PubMed 16199547; PubMed 23230001; PubMed 25948378; PubMed 30503519.

NM_006231.4(POLE):c.286-1G>C

Gene: POLE (DNA polymerase epsilon, catalytic subunit; minus strand). Cytogenetic location: 12q24.33.
Variant type: single nucleotide variant.
Coding change: c.286-1G>C on transcript NM_006231.4 (MANE Select); the canonical splice acceptor site of the intron before coding-DNA position 286, G replaced by C.
Molecular consequence: splice acceptor variant.
Genome position (GRCh38, 1-based): chr12:132,680,223, C>G on the plus strand (G>C on the coding strand, the complement: POLE is on the minus strand). VCF-style: chr12-132680223-C-G. GRCh37 (hg19) VCF-style: chr12-133256809-C-G.
Identifiers: ClinVar variation 2734438 (VCV002734438.3), dbSNP rs2542191973, ClinGen allele CA387368884.